The following is an entry in ClinVar:

ClinVar aggregate classification (germline): Uncertain significance (1 of 4 stars; one submission).

Conditions:
Inborn genetic diseases. Identifiers: MedGen C0950123, MeSH D030342.

gnomAD v4.1: 4 of 1,614,098 alleles (0.00025%); highest among the groups gnomAD compares: Non-Finnish European, 0.00025%; no homozygotes.

Submission:

Ambry Genetics
Classification: Uncertain significance for Inborn genetic diseases. Last evaluated: 2026-01-14. Review status: criteria provided, single submitter. Criteria: Ambry Variant Classification Scheme 2023. Collection method: clinical testing. Allele origin: germline.
Comment: The c.197T>C (p.V66A) alteration is located in exon 3 (coding exon 3) of the ATP6V1B1 gene. This alteration results from a T to C substitution at nucleotide position 197, causing the valine (V) at amino acid position 66 to be replaced by an alanine (A). Based on data from gnomAD, the C allele has an overall frequency of <0.001% (1/250908) total alleles studied. The highest observed frequency was 0.001% (1/113418) of European (non-Finnish) alleles. Based on insufficient or conflicting evidence, the clinical significance of this alteration remains unclear.

NM_001692.4(ATP6V1B1):c.197T>C (p.Val66Ala)

Gene: ATP6V1B1 (ATPase H+ transporting V1 subunit B1; plus strand). Cytogenetic location: 2p13.3.
Variant type: single nucleotide variant.
Coding change: c.197T>C on transcript NM_001692.4 (MANE Select); coding-DNA position 197, T replaced by C.
Protein change: p.Val66Ala; replaces valine 66 with alanine.
Molecular consequence: missense variant.
Genome position (GRCh38, 1-based): chr2:70,958,068, T>C. VCF-style: chr2-70958068-T-C. GRCh37 (hg19) VCF-style: chr2-71185198-T-C.
Other names: short protein forms V66A.
Identifiers: ClinVar variation 4839376 (VCV004839376.1).